The following is an entry in ClinVar:

ClinVar aggregate classification (germline): Uncertain significance. Review status: criteria provided, multiple submitters, no conflicts (2 of 4 stars). 5 submissions from 5 submitters: Uncertain significance (4). 1 of the submissions does not count toward it. Last evaluated 2025-06-24.

Conditions:
Hereditary cancer-predisposing syndrome. Also called: Neoplastic Syndromes, Hereditary; Tumor predisposition; Hereditary Cancer Syndrome; Hereditary neoplastic syndrome. Identifiers: Orphanet 140162, MedGen C0027672, MeSH D009386, MONDO:0015356.
BRCA2-related disorder. Also called: BRCA2-related condition; BRCA2-related disorders. Identifiers: MedGen CN239275.
Hereditary breast ovarian cancer syndrome. Also called: Hereditary breast and ovarian cancer syndrome; Hereditary breast and ovarian cancer; Hereditary breast and ovarian cancer syndrome (HBOC); Breast and ovarian cancer; Hereditary breast and/or ovarian cancer syndrome; BRCA1- and BRCA2-Associated Hereditary Breast and Ovarian Cancer. Identifiers: Orphanet 145, MedGen C0677776, MeSH D061325, MONDO:0003582. Disease mechanism: loss of function.

gnomAD v4.1: 1 of 1,614,086 alleles (0.000062%); no homozygotes.

Submissions (5):

Color Diagnostics, LLC DBA Color Health
Classification: Uncertain significance for Hereditary cancer-predisposing syndrome. Last evaluated: 2025-06-24. Review status: criteria provided, single submitter. Criteria: ACMG Guidelines, 2015. Collection method: clinical testing. Allele origin: germline.
Comment: This missense variant replaces threonine with serine at codon 3195 of the BRCA2 protein. Computational prediction suggests that this variant may not impact protein structure and function. To our knowledge, functional studies have not been reported for this variant. This variant has been reported in one individual affected with breast cancer (PMID: 31451522). This variant has not been identified in the general population by the Genome Aggregation Database (gnomAD). The available evidence is insufficient to determine the role of this variant in disease conclusively. Therefore, this variant is classified as a Variant of Uncertain Significance.

Labcorp Genetics (formerly Invitae), Labcorp
Classification: Uncertain significance for Hereditary breast ovarian cancer syndrome. Last evaluated: 2025-06-04. Review status: criteria provided, single submitter. Criteria: Invitae Variant Classification Sherloc (09022015). Collection method: clinical testing. Allele origin: germline.
Comment: This sequence change replaces threonine, which is neutral and polar, with serine, which is neutral and polar, at codon 3195 of the BRCA2 protein (p.Thr3195Ser). This variant is not present in population databases (gnomAD no frequency). This missense change has been observed in individual(s) with breast cancer (PMID: 27616075, 31451522). ClinVar contains an entry for this variant (Variation ID: 485432). Invitae Evidence Modeling of protein sequence and biophysical properties (such as structural, functional, and spatial information, amino acid conservation, physicochemical variation, residue mobility, and thermodynamic stability) indicates that this missense variant is not expected to disrupt BRCA2 protein function with a negative predictive value of 95%. In summary, the available evidence is currently insufficient to determine the role of this variant in disease. Therefore, it has been classified as a Variant of Uncertain Significance.

GeneDx
Classification: Uncertain significance. Last evaluated: 2024-05-13. Review status: criteria provided, single submitter. Criteria: GeneDx Variant Classification Process June 2021. Collection method: clinical testing. Allele origin: germline. Affected: yes.
Comment: In silico analysis indicates that this missense variant does not alter protein structure/function; Not observed at significant frequency in large population cohorts (gnomAD); Also known as 9812C>G; This variant is associated with the following publications: (PMID: 27616075, 29884841, 31451522, 32377563)

Ambry Genetics
Classification: Uncertain significance for Hereditary cancer-predisposing syndrome. Last evaluated: 2017-02-08. Review status: criteria provided, single submitter. Criteria: Ambry Variant Classification Scheme 2023. Collection method: clinical testing. Allele origin: germline.
Comment: The p.T3195S variant (also known as c.9584C>G), located in coding exon 25 of the BRCA2 gene, results from a C to G substitution at nucleotide position 9584. The threonine at codon 3195 is replaced by serine, an amino acid with similar properties. This amino acid position is poorly conserved in available vertebrate species. In addition, this alteration is predicted to be tolerated by in silico analysis. Since supporting evidence is limited at this time, the clinical significance of this alteration remains unclear.

PreventionGenetics, part of Exact Sciences
Classification: Uncertain significance for BRCA2-related condition. Last evaluated: 2024-05-02. Review status: no assertion criteria provided. Collection method: clinical testing. Allele origin: germline. Not counted in ClinVar's aggregate classification.
Comment: The BRCA2 c.9584C>G variant is predicted to result in the amino acid substitution p.Thr3195Ser. This variant has been reported in an individual with breast cancer and was interpreted as uncertain in the study (Supplemental table 4. Kraus et al 2017. PubMed ID: 27616075). This variant has not been reported in a large population database, indicating this variant is rare. This variant is interpreted as a variant of uncertain significance in ClinVar. At this time, the clinical significance of this variant is uncertain due to the absence of conclusive functional and genetic evidence.

Literature cited by the submitters: PubMed 31451522 (cited by Color Diagnostics, LLC DBA Color Health and Labcorp Genetics (formerly Invitae), Labcorp); PubMed 27616075 (cited by Labcorp Genetics (formerly Invitae), Labcorp).

NM_000059.4(BRCA2):c.9584C>G (p.Thr3195Ser)

Gene: BRCA2 (BRCA2 DNA repair associated; plus strand). Cytogenetic location: 13q13.1.
Variant type: single nucleotide variant.
Coding change: c.9584C>G on transcript NM_000059.4 (MANE Select); coding-DNA position 9584, C replaced by G.
Protein change: p.Thr3195Ser; replaces threonine 3195 with serine.
Molecular consequence: missense variant.
Genome position (GRCh38, 1-based): chr13:32,396,980, C>G. VCF-style: chr13-32396980-C-G. GRCh37 (hg19) VCF-style: chr13-32971117-C-G.
Other names: short protein forms T3195S.
Identifiers: ClinVar variation 485432 (VCV000485432.12), dbSNP rs431825376, ClinGen allele CA387763443.